The following is an entry in ClinVar:

ClinVar aggregate classification (germline): Uncertain significance. Review status: criteria provided, multiple submitters, no conflicts (2 of 4 stars). 3 submissions from 3 submitters: Uncertain significance (3). Last evaluated 2023-07-14.

Conditions:
Autosomal recessive ataxia, Beauce type. Also called: SYNE1-Related Autosomal Recessive Cerebellar Ataxia; Spinocerebellar ataxia, autosomal recessive 8; SYNE1 Deficiency; ATAXIA, RECESSIVE, OF BEAUCE. Identifiers: Orphanet 88644, MedGen C1853116, MONDO:0012549, OMIM 610743.
Emery-Dreifuss muscular dystrophy 4, autosomal dominant (EDMD4). Also called: EMERY-DREIFUSS MUSCULAR DYSTROPHY 4 WITH VARIABLE FEATURES. Identifiers: Orphanet 261, MedGen C2751807, MONDO:0013071, OMIM 612998.

Allele frequency attached by ClinVar (database versions not stated): gnomAD 0.00001; gnomAD exomes 0.00001; TOPMed 0.00001; ExAC 0.00002.
gnomAD v4.1: 15 of 1,614,106 alleles (0.00093%); highest among the groups gnomAD compares: Non-Finnish European, 0.0012%; no homozygotes.

Submissions (3):

Blueprint Genetics
Classification: Uncertain significance. Last evaluated: 2023-07-14. Review status: criteria provided, single submitter. Criteria: ACMG Guidelines, 2015. Collection method: clinical testing. Allele origin: germline.

Labcorp Genetics (formerly Invitae), Labcorp
Classification: Uncertain significance for Emery-Dreifuss muscular dystrophy 4, autosomal dominant; Autosomal recessive ataxia, Beauce type. Last evaluated: 2022-03-08. Review status: criteria provided, single submitter. Criteria: Invitae Variant Classification Sherloc (09022015). Collection method: clinical testing. Allele origin: germline.
Comment: This sequence change replaces isoleucine, which is neutral and non-polar, with valine, which is neutral and non-polar, at codon 6813 of the SYNE1 protein (p.Ile6813Val). This variant is present in population databases (rs752179906, gnomAD 0.002%). This variant has not been reported in the literature in individuals affected with SYNE1-related conditions. ClinVar contains an entry for this variant (Variation ID: 283433). Algorithms developed to predict the effect of missense changes on protein structure and function output the following: SIFT: "Tolerated"; PolyPhen-2: "Benign"; Align-GVGD: "Class C0". The valine amino acid residue is found in multiple mammalian species, which suggests that this missense change does not adversely affect protein function. In summary, the available evidence is currently insufficient to determine the role of this variant in disease. Therefore, it has been classified as a Variant of Uncertain Significance.

Eurofins Ntd Llc (ga)
Classification: Uncertain significance. Last evaluated: 2015-09-22. Review status: criteria provided, single submitter. Criteria: EGL Classification Definitions 2015. Collection method: clinical testing. Allele origin: germline. Observed: 1 variant allele, 1 heterozygote.

NM_182961.4(SYNE1):c.20650A>G (p.Ile6884Val)

Gene: SYNE1 (spectrin repeat containing nuclear envelope protein 1; minus strand). Cytogenetic location: 6q25.2.
Variant type: single nucleotide variant.
Coding change: c.20650A>G on transcript NM_182961.4 (MANE Select); coding-DNA position 20650, A replaced by G.
Protein change: p.Ile6884Val; replaces isoleucine 6884 with valine.
Molecular consequence: missense variant.
Genome position (GRCh38, 1-based): chr6:152,233,843, T>C on the plus strand (A>G on the coding strand, the complement: SYNE1 is on the minus strand). VCF-style: chr6-152233843-T-C. GRCh37 (hg19) VCF-style: chr6-152554978-T-C.
Other names: c.20437A>G, p.Ile6813Val (NM_033071.5); short protein forms I6813V, I6884V.
Identifiers: ClinVar variation 283433 (VCV000283433.13), dbSNP rs752179906, ClinGen allele CA4054368.